The following is an entry in ClinVar:

ClinVar aggregate classification (germline): Uncertain significance. Review status: criteria provided, multiple submitters, no conflicts (2 of 4 stars). 3 submissions from 3 submitters: Uncertain significance (2). 1 of the submissions does not count toward it. Last evaluated 2024-10-14.

Conditions:
Retinal dystrophy. Also called: Inherited retinal dystrophy. Identifiers: Orphanet 71862, MedGen C0854723, MeSH D058499, MONDO:0019118, HP:0000556.

Allele frequency attached by ClinVar (database versions not stated): gnomAD exomes 0.00002; gnomAD 0.00003; ExAC 0.00007.

Submissions (3):

Blueprint Genetics
Classification: Uncertain significance. Last evaluated: 2024-10-14. Review status: criteria provided, single submitter. Criteria: ACMG Guidelines, 2015. Collection method: clinical testing. Allele origin: germline.

Labcorp Genetics (formerly Invitae), Labcorp
Classification: Uncertain significance. Last evaluated: 2022-02-03. Review status: criteria provided, single submitter. Criteria: Invitae Variant Classification Sherloc (09022015). Collection method: clinical testing. Allele origin: germline.
Comment: In summary, the available evidence is currently insufficient to determine the role of this variant in disease. Therefore, it has been classified as a Variant of Uncertain Significance. Advanced modeling of protein sequence and biophysical properties (such as structural, functional, and spatial information, amino acid conservation, physicochemical variation, residue mobility, and thermodynamic stability) performed at Invitae indicates that this missense variant is expected to disrupt CNGB1 protein function. This variant has not been reported in the literature in individuals affected with CNGB1-related conditions. This variant is present in population databases (rs777230272, gnomAD 0.03%). This sequence change replaces glycine, which is neutral and non-polar, with arginine, which is basic and polar, at codon 848 of the CNGB1 protein (p.Gly848Arg).

Institute of Human Genetics, Univ. Regensburg, Univ. Regensburg
Classification: Uncertain significance for Retinal dystrophy. Last evaluated: 2022-01-01. Review status: no assertion criteria provided. Criteria: ACMG Guidelines, 2015. Collection method: clinical testing. Allele origin: germline. Affected: yes. Not counted in ClinVar's aggregate classification.

NM_001297.5(CNGB1):c.2542G>A (p.Gly848Arg)

Gene: CNGB1 (cyclic nucleotide gated channel subunit beta 1; minus strand). Cytogenetic location: 16q21.
Variant type: single nucleotide variant.
Coding change: c.2542G>A on transcript NM_001297.5 (MANE Select); coding-DNA position 2542, G replaced by A.
Protein change: p.Gly848Arg; replaces glycine 848 with arginine.
Molecular consequence: missense variant.
Genome position (GRCh38, 1-based): chr16:57,904,826, C>T on the plus strand (G>A on the coding strand, the complement: CNGB1 is on the minus strand). VCF-style: chr16-57904826-C-T. GRCh37 (hg19) VCF-style: chr16-57938730-C-T.
Other names: c.2524G>A, p.Gly842Arg (NM_001286130.2); short protein forms G842R, G848R.
Identifiers: ClinVar variation 1904147 (VCV001904147.7), dbSNP rs777230272, ClinGen allele CA8082936.